The following is an entry in ClinVar:

ClinVar aggregate classification (germline): Uncertain significance (1 of 4 stars; one submission).

Conditions:
RASopathy. Also called: Noonan spectrum disorder; rasopathies. Identifiers: Orphanet 536391, MedGen C5555857, MONDO:0021060.

Submission:

Labcorp Genetics (formerly Invitae), Labcorp
Classification: Uncertain significance for RASopathy. Last evaluated: 2022-12-17. Review status: criteria provided, single submitter. Criteria: Invitae Variant Classification Sherloc (09022015). Collection method: clinical testing. Allele origin: unknown.
Comment: This variant has not been reported in the literature in individuals affected with MAP2K2-related conditions. In summary, the available evidence is currently insufficient to determine the role of this variant in disease. Therefore, it has been classified as a Variant of Uncertain Significance. This variant results in a copy number gain of the genomic region encompassing exon(s) 1-3 of the MAP2K2 gene. This region includes the initiator codon of the gene. This copy number gain extends beyond the assayed region for this gene and therefore may encompass additional genes. As the precise location of this event is unknown, it may be in tandem or it may be located elsewhere in the genome.

NC_000019.9:g.(?_4110487)_(4171966_?)dup

Genes: CREB3L3 (cAMP responsive element binding protein 3 like 3; plus strand), MAP2K2 (mitogen-activated protein kinase kinase 2; minus strand). Cytogenetic location: 19p13.3.
Variant type: Duplication.
Identifiers: ClinVar variation 3248518 (VCV003248518.1).